The following is an entry in ClinVar:

ClinVar aggregate classification (germline): Benign/Likely benign. Review status: criteria provided, multiple submitters, no conflicts (2 of 4 stars). 3 submissions from 3 submitters: Benign (1); Likely benign (2). Last evaluated 2025-09-04.

Conditions:
Renal cell carcinoma. Identifiers: Orphanet 217071, MedGen C0007134, MeSH D002292, MONDO:0005086, HP:0005584.
Hereditary cancer-predisposing syndrome. Also called: Hereditary Cancer Syndrome; Hereditary neoplastic syndrome; Neoplastic Syndromes, Hereditary; Tumor predisposition. Identifiers: Orphanet 140162, MedGen C0027672, MeSH D009386, MONDO:0015356.
Papillary renal cell carcinoma type 1 (RCCP1). Also called: Renal adenocarcinoma; Renal cell carcinoma 1; Renal cell carcinoma, somatic; RENAL CELL CARCINOMA, PAPILLARY, 1, SOMATIC. Identifiers: Orphanet 47044, MedGen C1336839, OMIM 605074, HP:0011797.

Submissions (3):

Labcorp Genetics (formerly Invitae), Labcorp
Classification: Likely benign for Renal cell carcinoma. Last evaluated: 2025-09-04. Review status: criteria provided, single submitter. Criteria: Invitae Variant Classification Sherloc (09022015). Collection method: clinical testing. Allele origin: germline.

Myriad Genetics, Inc.
Classification: Benign for Papillary renal cell carcinoma type 1. Last evaluated: 2024-11-06. Review status: criteria provided, single submitter. Criteria: Myriad Autosomal Dominant, Autosomal Recessive and X-Linked Classification Criteria (2023). Collection method: clinical testing. Allele origin: unknown.
Comment: This variant is considered benign. This variant is a silent/synonymous amino acid change and it is not expected to impact splicing.

Ambry Genetics
Classification: Likely benign for Hereditary cancer-predisposing syndrome. Last evaluated: 2020-02-14. Review status: criteria provided, single submitter. Criteria: Ambry Variant Classification Scheme 2023. Collection method: clinical testing. Allele origin: germline.

NM_000245.4(MET):c.108T>C (p.Asn36=)

Gene: MET (MET proto-oncogene, receptor tyrosine kinase; plus strand). Cytogenetic location: 7q31.2.
Variant type: single nucleotide variant.
Coding change: c.108T>C on transcript NM_000245.4 (MANE Select); coding-DNA position 108, T replaced by C.
Protein change: p.Asn36=; no amino-acid change (asparagine 36 retained).
Molecular consequence: synonymous variant. On other transcripts: intron variant (1).
Genome position (GRCh38, 1-based): chr7:116,699,192, T>C. VCF-style: chr7-116699192-T-C. GRCh37 (hg19) VCF-style: chr7-116339246-T-C.
Other names: c.108T>C, p.Asn36= (NM_001127500.3, NM_001324401.3); c.-91+26615T>C (NM_001324402.2).
Identifiers: ClinVar variation 1569150 (VCV001569150.11), dbSNP rs2116580390, ClinGen allele CA457447943.